The following is an entry in ClinVar:

ClinVar aggregate classification (germline): Uncertain significance (1 of 4 stars; one submission).

Conditions:
Heterotopia, periventricular, X-linked dominant (PVNH1). Also called: PERIVENTRICULAR NODULAR HETEROTOPIA 1; X-linked periventricular heterotopia; PERIVENTRICULAR NODULAR HETEROTOPIA 4; HETEROTOPIA, PERIVENTRICULAR, 1. Identifiers: Orphanet 2149, Orphanet 82004, MedGen C1848213, MONDO:0010233, OMIM 300049.
Melnick-Needles syndrome (MNS). Also called: Melnick-Needles Syndrome (FLNA-MNS); MELNICK-NEEDLES OSTEODYSPLASTY; OSTEODYSPLASTY OF MELNICK AND NEEDLES. Identifiers: Orphanet 2484, MedGen C0025237, MONDO:0010650, OMIM 309350.
Frontometaphyseal dysplasia (FMD1). Identifiers: Orphanet 1826, MedGen C0265293, MONDO:0015942.
Oto-palato-digital syndrome, type II (OPD2). Also called: Otopalatodigital Syndrome Type 2 (FLNA-OPD2); FACIOPALATOOSSEOUS SYNDROME; OPD II SYNDROME; Otopalatodigital Syndrome, Type II. Identifiers: Orphanet 669, Orphanet 90652, MedGen C1844696, MONDO:0010571, OMIM 304120.

Allele frequency attached by ClinVar (database versions not stated): gnomAD exomes below 0.00001.
gnomAD v4.1: 1 of 1,211,080 alleles (0.000083%); highest among the groups gnomAD compares: Non-Finnish European, 0.00011%; no homozygotes.

Submission:

Labcorp Genetics (formerly Invitae), Labcorp
Classification: Uncertain significance for Oto-palato-digital syndrome, type II; Heterotopia, periventricular, X-linked dominant; Frontometaphyseal dysplasia; Melnick-Needles syndrome. Last evaluated: 2024-10-24. Review status: criteria provided, single submitter. Criteria: Invitae Variant Classification Sherloc (09022015). Collection method: clinical testing. Allele origin: germline.
Comment: This sequence change replaces alanine, which is neutral and non-polar, with valine, which is neutral and non-polar, at codon 644 of the FLNA protein (p.Ala644Val). This variant is not present in population databases (gnomAD no frequency). This variant has not been reported in the literature in individuals affected with FLNA-related conditions. Invitae Evidence Modeling of protein sequence and biophysical properties (such as structural, functional, and spatial information, amino acid conservation, physicochemical variation, residue mobility, and thermodynamic stability) has been performed for this missense variant. However, the output from this modeling did not meet the statistical confidence thresholds required to predict the impact of this variant on FLNA protein function. In summary, the available evidence is currently insufficient to determine the role of this variant in disease. Therefore, it has been classified as a Variant of Uncertain Significance.

NM_001110556.2(FLNA):c.1931C>T (p.Ala644Val)

Gene: FLNA (filamin A; minus strand). Cytogenetic location: Xq28.
Variant type: single nucleotide variant.
Coding change: c.1931C>T on transcript NM_001110556.2 (MANE Select); coding-DNA position 1931, C replaced by T.
Protein change: p.Ala644Val; replaces alanine 644 with valine.
Molecular consequence: missense variant.
Genome position (GRCh38, 1-based): chrX:154,364,617, G>A on the plus strand (C>T on the coding strand, the complement: FLNA is on the minus strand). VCF-style: chrX-154364617-G-A. GRCh37 (hg19) VCF-style: chrX-153592985-G-A.
Other names: c.1931C>T, p.Ala644Val (NM_001456.4); short protein forms A644V.
Identifiers: ClinVar variation 2949924 (VCV002949924.3), dbSNP rs2522754764, ClinGen allele CA415241566.
Genomic context (GRCh38, chrX:154,364,617, plus strand): 5'-CGGATGTCAGCCATGAAGGGGCTGAGGCGGATGTCTTCGCTGTTGCACAGCACGTGAACG[G>A]CATACTCGCCAGCCTCCTGCGGCCAGTAGCGCACATCACAGGAGCCGTCGCCCTTGTCGT-3'
Protein context (NP_001104026.1, residues 634-654): RYWPQEAGEY[Ala644Val]VHVLCNSEDI